The following is an entry in ClinVar:

ClinVar aggregate classification (germline): Uncertain significance. Review status: criteria provided, multiple submitters, no conflicts (2 of 4 stars). 2 submissions from 2 submitters: Uncertain significance (2). Last evaluated 2025-10-31.

gnomAD v4.1: 12 of 1,614,046 alleles (0.00074%); highest among the groups gnomAD compares: Admixed American, 0.0017%; no homozygotes.

Submissions (2):

Labcorp Genetics (formerly Invitae), Labcorp
Classification: Uncertain significance. Last evaluated: 2025-10-31. Review status: criteria provided, single submitter. Criteria: Invitae Variant Classification Sherloc (09022015). Collection method: clinical testing. Allele origin: germline.
Comment: This sequence change replaces arginine, which is basic and polar, with tryptophan, which is neutral and slightly polar, at codon 144 of the BACH2 protein (p.Arg144Trp). This variant is present in population databases (no rsID available, gnomAD 0.002%). This variant has not been reported in the literature in individuals affected with BACH2-related conditions. Invitae Evidence Modeling of protein sequence and biophysical properties (such as structural, functional, and spatial information, amino acid conservation, physicochemical variation, residue mobility, and thermodynamic stability) indicates that this missense variant is not expected to disrupt BACH2 protein function with a negative predictive value of 80%. In summary, the available evidence is currently insufficient to determine the role of this variant in disease. Therefore, it has been classified as a Variant of Uncertain Significance.

Blueprint Genetics
Classification: Uncertain significance. Last evaluated: 2022-12-12. Review status: criteria provided, single submitter. Criteria: ACMG Guidelines, 2015. Collection method: clinical testing. Allele origin: germline.

NM_021813.4(BACH2):c.430C>T (p.Arg144Trp)

Gene: BACH2 (BACH transcriptional regulator 2; minus strand). Cytogenetic location: 6q15.
Variant type: single nucleotide variant.
Coding change: c.430C>T on transcript NM_021813.4 (MANE Select); coding-DNA position 430, C replaced by T.
Protein change: p.Arg144Trp; replaces arginine 144 with tryptophan.
Molecular consequence: missense variant.
Genome position (GRCh38, 1-based): chr6:89,951,676, G>A on the plus strand (C>T on the coding strand, the complement: BACH2 is on the minus strand). VCF-style: chr6-89951676-G-A. GRCh37 (hg19) VCF-style: chr6-90661395-G-A.
Other names: c.430C>T, p.Arg144Trp (NM_001170794.2); short protein forms R144W.
Identifiers: ClinVar variation 4769824 (VCV004769824.2).